The following is an entry in ClinVar:

ClinVar aggregate classification (germline): Uncertain significance (1 of 4 stars; one submission).

Submission:

GeneDx
Classification: Uncertain significance. Last evaluated: 2024-07-05. Review status: criteria provided, single submitter. Criteria: GeneDx Variant Classification Process June 2021. Collection method: clinical testing. Allele origin: germline. Affected: yes.
Comment: Not observed at significant frequency in large population cohorts (gnomAD); In silico analysis indicates that this missense variant does not alter protein structure/function; Has not been previously published as pathogenic or benign to our knowledge; Variants in candidate genes are classified as variants of uncertain significance in accordance with ACMG guidelines (PMID: 25741868)

NM_001282874.2(SMARCA1):c.217C>T (p.Pro73Ser)

Gene: SMARCA1 (SNF2 related chromatin remodeling ATPase 1; minus strand). Cytogenetic location: Xq26.1.
Variant type: single nucleotide variant.
Coding change: c.217C>T on transcript NM_001282874.2 (MANE Select); coding-DNA position 217, C replaced by T.
Protein change: p.Pro73Ser; replaces proline 73 with serine.
Molecular consequence: missense variant.
Genome position (GRCh38, 1-based): chrX:129,518,405, G>A on the plus strand (C>T on the coding strand, the complement: SMARCA1 is on the minus strand). VCF-style: chrX-129518405-G-A. GRCh37 (hg19) VCF-style: chrX-128652382-G-A.
Other names: c.217C>T, p.Pro73Ser (NM_001282875.2, NM_001378261.1, NM_001378262.1 and 3 more transcripts); short protein forms P73S.
Identifiers: ClinVar variation 3899543 (VCV003899543.1).